The following is an entry in ClinVar:

ClinVar aggregate classification (germline): Conflicting classifications of pathogenicity. Review status: criteria provided, conflicting classifications (1 of 4 stars). 4 submissions from 4 submitters: Likely pathogenic (2); Uncertain significance (2). Last evaluated 2025-09-16.

Conditions:
Leber congenital amaurosis 1 (LCA1). Also called: Congenital absence of the rods and cones; Leber's congenital tapetoretinal degeneration; Leber's congenital tapetoretinal dysplasia; RETINAL BLINDNESS, CONGENITAL; AMAUROSIS CONGENITA OF LEBER I. Identifiers: Orphanet 65, MedGen C2931258, MONDO:0008764, OMIM 204000.
Cone-rod dystrophy 6 (CORD6). Also called: RETINAL CONE DYSTROPHY 2; Cone dystrophy progressive. Identifiers: Orphanet 1872, MedGen C1866293, MONDO:0011143, OMIM 601777.
GUCY2D-related disorders.

Allele frequency attached by ClinVar (database versions not stated): gnomAD exomes below 0.00001; TOPMed below 0.00001.
gnomAD v4.1: 3 of 1,613,708 alleles (0.00019%); highest among the groups gnomAD compares: East Asian, 0.0067%; no homozygotes.

Submissions (4):

Labcorp Genetics (formerly Invitae), Labcorp
Classification: Uncertain significance for Leber congenital amaurosis 1; Cone-rod dystrophy 6. Last evaluated: 2025-09-16. Review status: criteria provided, single submitter. Criteria: Invitae Variant Classification Sherloc (09022015). Collection method: clinical testing. Allele origin: germline.
Comment: This sequence change replaces aspartic acid, which is acidic and polar, with asparagine, which is neutral and polar, at codon 279 of the GUCY2D protein (p.Asp279Asn). This variant is present in population databases (no rsID available, gnomAD 0.006%). This missense change has been observed in individuals with Leber congenital amaurosis (PMID: 26047050, 27375279). ClinVar contains an entry for this variant (Variation ID: 1052420). Invitae Evidence Modeling of protein sequence and biophysical properties (such as structural, functional, and spatial information, amino acid conservation, physicochemical variation, residue mobility, and thermodynamic stability) indicates that this missense variant is expected to disrupt GUCY2D protein function with a positive predictive value of 80%. Experimental studies have shown that this missense change affects GUCY2D function (PMID: 32255808). This variant disrupts the p.Asp279 amino acid residue in GUCY2D. Other variant(s) that disrupt this residue have been observed in individuals with GUCY2D-related conditions (PMID: 26047050, 31630094), which suggests that this may be a clinically significant amino acid residue. In summary, the available evidence is currently insufficient to determine the role of this variant in disease. Therefore, it has been classified as a Variant of Uncertain Significance.

Women's Health and Genetics/Laboratory Corporation of America, LabCorp
Classification: Uncertain significance. Last evaluated: 2025-02-10. Review status: criteria provided, single submitter. Criteria: LabCorp Variant Classification Summary - May 2015. Collection method: clinical testing. Allele origin: germline.
Comment: Variant summary: GUCY2D c.835G>A (p.Asp279Asn) results in a conservative amino acid change in the encoded protein sequence. Four of five in-silico tools predict a damaging effect of the variant on protein function. The variant allele was found at a frequency of 4e-06 in 250956 control chromosomes (gnomAD). c.835G>A has been reported in the literature in individuals affected with Leber Congenital Amaurosis (e.g. Wang_2015). These data do not allow any conclusion about variant significance. At least one publication reports experimental evidence evaluating an impact on protein function. The most pronounced variant effect results in 10%-<30% of normal ROS-GC1 catalytic (Feng_2020). The following publications have been ascertained in the context of this evaluation (PMID: 26047050, 23661368, 27375279, 32255808). ClinVar contains an entry for this variant (Variation ID: 1052420). Based on the evidence outlined above, the variant was classified as VUS-possibly pathogenic.

3billion
Classification: Likely pathogenic for Leber congenital amaurosis 1. Last evaluated: 2022-05-22. Review status: criteria provided, single submitter. Criteria: ACMG Guidelines, 2015. Collection method: clinical testing. Allele origin: germline. Affected: yes. Observed: 1 heterozygote.
Comment: Different pathogenic amino acid change has been reported with supporting evidence at the same codon (PMID:31630094). In silico prediction tools and conservation analysis predicted that this variant was probably damaging to the protein structure/function (REVEL: 0.624>=0.6). It has been reported with an extremely low frequency in the gnomAD v2.1.1 dataset. Therefore, this variant is classified as likely pathogenic according to the recommendation of ACMG/AMP guideline.

Blueprint Genetics
Classification: Likely pathogenic for GUCY2D-related disorders. Last evaluated: 2022-01-24. Review status: criteria provided, single submitter. Criteria: ACMG Guidelines, 2015. Collection method: clinical testing. Allele origin: germline. Affected: yes. Observed: 1 variant allele.

Literature cited by the submitters: PubMed 26047050 (cited by 3 submitters); PubMed 27375279 (cited by Labcorp Genetics (formerly Invitae), Labcorp and Women's Health and Genetics/Laboratory Corporation of America, LabCorp); PubMed 32255808 (cited by Labcorp Genetics (formerly Invitae), Labcorp and Women's Health and Genetics/Laboratory Corporation of America, LabCorp); PubMed 31630094 (cited by Labcorp Genetics (formerly Invitae), Labcorp and 3billion); PubMed 23661368 (cited by Women's Health and Genetics/Laboratory Corporation of America, LabCorp).

NM_000180.4(GUCY2D):c.835G>A (p.Asp279Asn)

Gene: GUCY2D (guanylate cyclase 2D, retinal; plus strand). Cytogenetic location: 17p13.1.
Variant type: single nucleotide variant.
Coding change: c.835G>A on transcript NM_000180.4 (MANE Select); coding-DNA position 835, G replaced by A.
Protein change: p.Asp279Asn; replaces aspartic acid 279 with asparagine.
Molecular consequence: missense variant.
Genome position (GRCh38, 1-based): chr17:8,003,965, G>A. VCF-style: chr17-8003965-G-A. GRCh37 (hg19) VCF-style: chr17-7907283-G-A.
Other names: short protein forms D279N.
Identifiers: ClinVar variation 1052420 (VCV001052420.10), dbSNP rs1478566225, ClinGen allele CA397945537.
Genomic context (GRCh38, chr17:8,003,965, plus strand): 5'-CTCCTGGAGGCCGCAGAGGAGCTGGGCCTGACCGATGGCTCCCTGGTCTTCCTGCCCTTC[G>A]ACACGATCCACTACGCCTTGTCCCCAGGCCCGGAGGCCTTGGCCGCACTCGCCAACAGCT-3'
Protein context (NP_000171.1, residues 269-289): TDGSLVFLPF[Asp279Asn]TIHYALSPGP